The following is an entry in ClinVar:

NM_016169.4(SUFU):c.877A>C (p.Ile293Leu)

Gene: SUFU (SUFU negative regulator of hedgehog signaling; plus strand). Cytogenetic location: 10q24.32.
Variant type: single nucleotide variant.
Coding change: c.877A>C on transcript NM_016169.4 (MANE Select); coding-DNA position 877, A replaced by C.
Protein change: p.Ile293Leu; replaces isoleucine 293 with leucine.
Molecular consequence: missense variant.
Genome position (GRCh38, 1-based): chr10:102,597,260, A>C. VCF-style: chr10-102597260-A-C. GRCh37 (hg19) VCF-style: chr10-104357017-A-C.
Other names: c.877A>C, p.Ile293Leu (NM_001178133.2); short protein forms I293L.
Identifiers: ClinVar variation 1764624 (VCV001764624.6), dbSNP rs574002050, ClinGen allele CA377910772.

ClinVar aggregate classification (germline): Uncertain significance. Review status: criteria provided, multiple submitters, no conflicts (2 of 4 stars). 3 submissions from 3 submitters: Uncertain significance (3). Last evaluated 2025-08-06.

Conditions:
Medulloblastoma (MDB). Also called: MEDULLOBLASTOMA PREDISPOSITION SYNDROME; Medulloblastoma, somatic. Identifiers: Orphanet 616, MedGen C0025149, MeSH D008527, MONDO:0007959, OMIM 155255, HP:0002885.
Gorlin syndrome. Also called: Nevoid Basal Cell Carcinoma Syndrome; Basal cell nevus syndrome. Identifiers: Orphanet 377, MedGen C0004779, MONDO:0007187.
Hereditary cancer-predisposing syndrome. Also called: Neoplastic Syndromes, Hereditary; Tumor predisposition; Hereditary neoplastic syndrome; Hereditary Cancer Syndrome. Identifiers: Orphanet 140162, MedGen C0027672, MeSH D009386, MONDO:0015356.

Submissions (3):

Labcorp Genetics (formerly Invitae), Labcorp
Classification: Uncertain significance for Gorlin syndrome; Medulloblastoma. Last evaluated: 2025-08-06. Review status: criteria provided, single submitter. Criteria: Invitae Variant Classification Sherloc (09022015). Collection method: clinical testing. Allele origin: germline.
Comment: This sequence change replaces isoleucine, which is neutral and non-polar, with leucine, which is neutral and non-polar, at codon 293 of the SUFU protein (p.Ile293Leu). This variant is present in population databases (no rsID available, gnomAD 0.003%). This variant has not been reported in the literature in individuals affected with SUFU-related conditions. ClinVar contains an entry for this variant (Variation ID: 1764624). Invitae Evidence Modeling of protein sequence and biophysical properties (such as structural, functional, and spatial information, amino acid conservation, physicochemical variation, residue mobility, and thermodynamic stability) indicates that this missense variant is not expected to disrupt SUFU protein function with a negative predictive value of 80%. In summary, the available evidence is currently insufficient to determine the role of this variant in disease. Therefore, it has been classified as a Variant of Uncertain Significance.

GeneDx
Classification: Uncertain significance. Last evaluated: 2024-06-17. Review status: criteria provided, single submitter. Criteria: GeneDx Variant Classification Process June 2021. Collection method: clinical testing. Allele origin: germline. Affected: yes.
Comment: Not observed at significant frequency in large population cohorts (gnomAD); In silico analysis indicates that this missense variant does not alter protein structure/function; Has not been previously published as pathogenic or benign to our knowledge; This variant is associated with the following publications: (PMID: 24311597)

Ambry Genetics
Classification: Uncertain significance for Hereditary cancer-predisposing syndrome. Last evaluated: 2021-12-20. Review status: criteria provided, single submitter. Criteria: Ambry Variant Classification Scheme 2023. Collection method: clinical testing. Allele origin: germline.
Comment: The p.I293L variant (also known as c.877A>C), located in coding exon 7 of the SUFU gene, results from an A to C substitution at nucleotide position 877. The isoleucine at codon 293 is replaced by leucine, an amino acid with highly similar properties. This amino acid position is well conserved in available vertebrate species. In addition, this alteration is predicted to be tolerated by in silico analysis. Since supporting evidence is limited at this time, the clinical significance of this alteration remains unclear.